The following is an entry in ClinVar:

ClinVar aggregate classification (germline): Conflicting classifications of pathogenicity. Review status: criteria provided, conflicting classifications (1 of 4 stars). 2 submissions from 2 submitters: Uncertain significance (1); Likely benign (1). Last evaluated 2023-03-23.

Conditions:
Hereditary cancer-predisposing syndrome. Also called: Hereditary Cancer Syndrome; Hereditary neoplastic syndrome; Neoplastic Syndromes, Hereditary; Tumor predisposition. Identifiers: Orphanet 140162, MedGen C0027672, MeSH D009386, MONDO:0015356.
Breast-ovarian cancer, familial, susceptibility to, 1 (BROVCA1). Also called: OVARIAN CANCER, SUSCEPTIBILITY TO; BRCA1 Hereditary Breast and Ovarian Cancer. Identifiers: Orphanet 145, MedGen C2676676, MONDO:0011450, OMIM 604370. Disease mechanism: loss of function.

Submissions (2):

University of Washington Department of Laboratory Medicine, University of Washington
Classification: Likely benign for Hereditary cancer-predisposing syndrome. Last evaluated: 2023-03-23. Review status: criteria provided, single submitter. Criteria: Dines et al. (Genet Med. 2020). Collection method: curation. Allele origin: germline.
Comment: Missense variant in a coldspot region where missense variants are very unlikely to be pathogenic (PMID:31911673).

BRCA1 coldspot (exon 11 using historical exon numbering). Reclassification based on statistical prior probability

Mendelics
Classification: Uncertain significance for Breast-ovarian cancer, familial, susceptibility to, 1. Last evaluated: 2019-05-28. Review status: criteria provided, single submitter. Criteria: Mendelics Assertion Criteria 2017. Collection method: clinical testing. Allele origin: unknown.

NM_007294.4(BRCA1):c.862A>G (p.Ser288Gly)

Gene: BRCA1 (BRCA1 DNA repair associated; minus strand). Cytogenetic location: 17q21.31.
Variant type: single nucleotide variant.
Coding change: c.862A>G on transcript NM_007294.4 (MANE Select); coding-DNA position 862, A replaced by G.
Protein change: p.Ser288Gly; replaces serine 288 with glycine.
Molecular consequence: missense variant. On other transcripts: 5 prime UTR variant (2), intron variant (137).
Genome position (GRCh38, 1-based): chr17:43,094,669, T>C on the plus strand (A>G on the coding strand, the complement: BRCA1 is on the minus strand). VCF-style: chr17-43094669-T-C. GRCh37 (hg19) VCF-style: chr17-41246686-T-C.
Other names: c.649A>G, p.Ser217Gly (NM_001407571.1, NM_001407896.1, NM_001407897.1 and 9 more transcripts); c.862A>G, p.Ser288Gly (NM_001407581.1, NM_001407582.1, NM_001407583.1 and 30 more transcripts); c.859A>G, p.Ser287Gly (NM_001407587.1, NM_001407590.1, NM_001407591.1 and 22 more transcripts); c.853A>G, p.Ser285Gly (NM_001407646.1, NM_001407647.1); c.739A>G, p.Ser247Gly (NM_001407648.1, NM_001407666.1, NM_001407667.1 and 19 more transcripts); c.736A>G, p.Ser246Gly (NM_001407649.1, NM_001407670.1, NM_001407671.1 and 11 more transcripts); c.784A>G, p.Ser262Gly (NM_001407653.1, NM_001407654.1, NM_001407655.1 and 4 more transcripts); c.721A>G, p.Ser241Gly (NM_001407692.1, NM_001407694.1, NM_001407730.1 and 29 more transcripts); and 40 more; short protein forms S288G, S241G, S161G, S217G, S218G, S285G, S120G, S160G.
Identifiers: ClinVar variation 803419 (VCV000803419.4), dbSNP rs1597879544, ClinGen allele CA10600355.